The following is an entry in ClinVar:

ClinVar aggregate classification (germline): Uncertain significance (1 of 4 stars; one submission).

Allele frequency attached by ClinVar (database versions not stated): gnomAD 0.00003; ExAC 0.00001; gnomAD exomes 0.00001; TOPMed 0.00002.
gnomAD v4.1: 16 of 1,611,824 alleles (0.00099%); highest among the groups gnomAD compares: Non-Finnish European, 0.0014%; no homozygotes.

Submission:

GeneDx
Classification: Uncertain significance. Last evaluated: 2022-10-03. Review status: criteria provided, single submitter. Criteria: GeneDx Variant Classification Process June 2021. Collection method: clinical testing. Allele origin: germline. Affected: yes.
Comment: Canonical splice site variant expected to result in aberrant splicing, although in the absence of functional evidence the actual effect of this sequence change is unknown.; Has not been previously published as pathogenic or benign to our knowledge

NM_017433.5(MYO3A):c.732-2A>C

Gene: MYO3A (myosin IIIA; plus strand). Cytogenetic location: 10p12.1.
Variant type: single nucleotide variant.
Coding change: c.732-2A>C on transcript NM_017433.5 (MANE Select); the canonical splice acceptor site of the intron before coding-DNA position 732, A replaced by C.
Molecular consequence: splice acceptor variant.
Genome position (GRCh38, 1-based): chr10:26,024,020, A>C. VCF-style: chr10-26024020-A-C. GRCh37 (hg19) VCF-style: chr10-26312949-A-C.
Identifiers: ClinVar variation 2446503 (VCV002446503.1), dbSNP rs1023746725, ClinGen allele CA5444428.